The following is an entry in ClinVar:

ClinVar aggregate classification (germline): Uncertain significance (1 of 4 stars; one submission).

Conditions:
Fanconi anemia (FA). Also called: Fanconi's anemia. Identifiers: Orphanet 84, MedGen C0015625, MeSH D005199, MONDO:0019391.

Allele frequency attached by ClinVar (database versions not stated): gnomAD exomes below 0.00001 and 0.00003; ExAC 0.00002; gnomAD 0.00002; TOPMed 0.00002.
gnomAD v4.1: 44 of 1,613,564 alleles (0.0027%); highest among the groups gnomAD compares: Non-Finnish European, 0.0036%; no homozygotes.

Submission:

Labcorp Genetics (formerly Invitae), Labcorp
Classification: Uncertain significance for Fanconi anemia. Last evaluated: 2022-07-05. Review status: criteria provided, single submitter. Criteria: Invitae Variant Classification Sherloc (09022015). Collection method: clinical testing. Allele origin: germline.
Comment: This sequence change replaces proline, which is neutral and non-polar, with threonine, which is neutral and polar, at codon 384 of the SLX4 protein (p.Pro384Thr). This variant is present in population databases (rs778504083, gnomAD 0.007%). This variant has not been reported in the literature in individuals affected with SLX4-related conditions. ClinVar contains an entry for this variant (Variation ID: 1416172). Algorithms developed to predict the effect of missense changes on protein structure and function output the following: SIFT: "Tolerated"; PolyPhen-2: "Benign"; Align-GVGD: "Class C0". The threonine amino acid residue is found in multiple mammalian species, which suggests that this missense change does not adversely affect protein function. In summary, the available evidence is currently insufficient to determine the role of this variant in disease. Therefore, it has been classified as a Variant of Uncertain Significance.

NM_032444.4(SLX4):c.1150C>A (p.Pro384Thr)

Gene: SLX4 (SLX4 structure-specific endonuclease subunit; minus strand). Cytogenetic location: 16p13.3.
Variant type: single nucleotide variant.
Coding change: c.1150C>A on transcript NM_032444.4 (MANE Select); coding-DNA position 1150, C replaced by A.
Protein change: p.Pro384Thr; replaces proline 384 with threonine.
Molecular consequence: missense variant.
Genome position (GRCh38, 1-based): chr16:3,600,992, G>T on the plus strand (C>A on the coding strand, the complement: SLX4 is on the minus strand). VCF-style: chr16-3600992-G-T. GRCh37 (hg19) VCF-style: chr16-3650993-G-T.
Other names: short protein forms P384T.
Identifiers: ClinVar variation 1416172 (VCV001416172.5), dbSNP rs778504083, ClinGen allele CA7866633.